The following is an entry in ClinVar:

NM_001009944.3(PKD1):c.4630G>A (p.Val1544Met)

Gene: PKD1 (polycystin 1, transient receptor potential channel interacting; minus strand). Cytogenetic location: 16p13.3.
Variant type: single nucleotide variant.
Coding change: c.4630G>A on transcript NM_001009944.3 (MANE Select); coding-DNA position 4630, G replaced by A.
Protein change: p.Val1544Met; replaces valine 1544 with methionine.
Molecular consequence: missense variant.
Genome position (GRCh38, 1-based): chr16:2,110,537, C>T on the plus strand (G>A on the coding strand, the complement: PKD1 is on the minus strand). VCF-style: chr16-2110537-C-T. GRCh37 (hg19) VCF-style: chr16-2160538-C-T.
Other names: c.4630G>A, p.Val1544Met (NM_000296.4); short protein forms V1544M.
Identifiers: ClinVar variation 2574673 (VCV002574673.3), dbSNP rs2544820023, ClinGen allele CA394379562.

ClinVar aggregate classification (germline): Conflicting classifications of pathogenicity. Review status: criteria provided, conflicting classifications (1 of 4 stars). 2 submissions from 2 submitters: Likely pathogenic (1); Uncertain significance (1). Last evaluated 2024-03-08.

Conditions:
Polycystic kidney disease, adult type (PKD1). Also called: POLYCYSTIC KIDNEY DISEASE 1 WITH OR WITHOUT POLYCYSTIC LIVER DISEASE; Polycystic Kidney Disease 1, Autosomal Dominant; Polycystic kidney disease 1; Polycystic kidney disease 1, severe; Polycystic Kidney, Autosomal Dominant; POLYCYSTIC KIDNEY DISEASE, ADULT, TYPE I. Identifiers: MedGen C3149841, MONDO:0008263, OMIM 173900.

Submissions (2):

Fulgent Genetics
Classification: Likely pathogenic for Polycystic kidney disease, adult type. Last evaluated: 2024-03-08. Review status: criteria provided, single submitter. Criteria: ACMG Guidelines, 2015. Collection method: clinical testing. Allele origin: germline.

Center for Human Genetics and Genomic Medicine, Uniklinik Rwth Aachen
Classification: Uncertain significance for Polycystic kidney disease, adult type. Last evaluated: 2023-06-19. Review status: criteria provided, single submitter. Criteria: ACMG Guidelines, 2015. Collection method: clinical testing. Allele origin: unknown. Inheritance: Autosomal dominant inheritance. Affected: yes. Observed: 1 heterozygote.
Comment: The detected change is not reported in the general population (gnomAD) (as of June 19, 2023). It has not been described in the PKD1 locus-specific database, the ClinVar database, or in the literature. Bioinformatically, the change is classified as "likely disease-causing" (PolyPhen2, Mutation Taster, SIFT, CADDphred 23.3). The variant is currently to be regarded as a “variant of uncertain clinical significance” (ACMG criteria).